The following is an entry in ClinVar:

ClinVar aggregate classification (germline): Conflicting classifications of pathogenicity. Review status: criteria provided, conflicting classifications (1 of 4 stars). 4 submissions from 4 submitters: Uncertain significance (3); Likely benign (1). Last evaluated 2026-07-07.

Conditions:
Cardiovascular phenotype. Identifiers: MedGen CN230736.
Arrhythmogenic right ventricular dysplasia 10. Also called: Arrhythmogenic Right Ventricular Dysplasia/Cardiomyopathy10; Arrhythmogenic right ventricular dysplasia/cardiomyopathy, type 10; ARRHYTHMOGENIC RIGHT VENTRICULAR DYSPLASIA, FAMILIAL, 10. Identifiers: MedGen C1857777, MONDO:0012434, OMIM 610193.

Allele frequency attached by ClinVar (database versions not stated): gnomAD exomes below 0.00001.
gnomAD v4.1: 1 of 1,614,054 alleles (0.000062%); highest among the groups gnomAD compares: Non-Finnish European, 0.000085%; no homozygotes.

Submissions (4):

Ambry Genetics
Classification: Uncertain significance for Cardiovascular phenotype. Last evaluated: 2026-07-07. Review status: criteria provided, single submitter. Criteria: Ambry Variant Classification Scheme 2023. Collection method: clinical testing. Allele origin: germline.
Comment: The p.I704M variant (also known as c.2112T>G), located in coding exon 14 of the DSG2 gene, results from a T to G substitution at nucleotide position 2112. The isoleucine at codon 704 is replaced by methionine, an amino acid with highly similar properties. This amino acid position is conserved. In addition, this alteration is predicted to be tolerated by in silico analysis. Based on the available evidence, the clinical significance of this variant remains unclear.

Labcorp Genetics (formerly Invitae), Labcorp
Classification: Uncertain significance for Arrhythmogenic right ventricular dysplasia 10. Last evaluated: 2023-03-06. Review status: criteria provided, single submitter. Criteria: Invitae Variant Classification Sherloc (09022015). Collection method: clinical testing. Allele origin: germline.
Comment: This variant has not been reported in the literature in individuals affected with DSG2-related conditions. In summary, the available evidence is currently insufficient to determine the role of this variant in disease. Therefore, it has been classified as a Variant of Uncertain Significance. Advanced modeling of protein sequence and biophysical properties (such as structural, functional, and spatial information, amino acid conservation, physicochemical variation, residue mobility, and thermodynamic stability) performed at Invitae indicates that this missense variant is not expected to disrupt DSG2 protein function. ClinVar contains an entry for this variant (Variation ID: 199791). This variant is not present in population databases (gnomAD no frequency). This sequence change replaces isoleucine, which is neutral and non-polar, with methionine, which is neutral and non-polar, at codon 704 of the DSG2 protein (p.Ile704Met).

Women's Health and Genetics/Laboratory Corporation of America, LabCorp
Classification: Uncertain significance. Last evaluated: 2018-04-02. Review status: criteria provided, single submitter. Criteria: LabCorp Variant Classification Summary - May 2015. Collection method: clinical testing. Allele origin: germline.
Comment: Variant summary: DSG2 c.2112T>G (p.Ile704Met) results in a conservative amino acid change of the encoded protein sequence. Five of five in-silico tools predict a benign effect of the variant on protein function. The variant was absent in 246104 control chromosomes. The available data on variant occurrences in the general population are insufficient to allow any conclusion about variant significance. To our knowledge, no occurrence of c.2112T>G in individuals affected with Arrhythmia and no experimental evidence demonstrating its impact on protein function have been reported. No clinical diagnostic laboratories have submitted clinical-significance assessments for this variant to ClinVar after 2014. Based on the evidence outlined above, the variant was classified as uncertain significance.

GeneDx
Classification: Likely benign. Last evaluated: 2012-06-05. Review status: criteria provided, single submitter. Criteria: GeneDx Variant Classification (06012015). Collection method: clinical testing. Allele origin: germline. Affected: yes.
Comment: This variant is considered likely benign or benign based on one or more of the following criteria: it is a conservative change, it occurs at a poorly conserved position in the protein, it is predicted to be benign by multiple in silico algorithms, and/or has population frequency not consistent with disease.

NM_001943.5(DSG2):c.2112T>G (p.Ile704Met)

Genes: DSG2 (desmoglein 2; plus strand), DSG2-AS1 (DSG2 antisense RNA 1; minus strand). Cytogenetic location: 18q12.1.
Variant type: single nucleotide variant.
Coding change: c.2112T>G on transcript NM_001943.5 (MANE Select); coding-DNA position 2112, T replaced by G.
Protein change: p.Ile704Met; replaces isoleucine 704 with methionine.
Molecular consequence: missense variant.
Genome position (GRCh38, 1-based): chr18:31,542,630, T>G. VCF-style: chr18-31542630-T-G. GRCh37 (hg19) VCF-style: chr18-29122593-T-G.
Other names: p.I704M:ATT>ATG; c.2112T>G (LRG_397t1); short protein forms I704M.
Identifiers: ClinVar variation 199791 (VCV000199791.7), dbSNP rs794728081, ClinGen allele CA021669.